The following is an entry in ClinVar:

ClinVar aggregate classification (germline): Uncertain significance. Review status: criteria provided, multiple submitters, no conflicts (2 of 4 stars). 3 submissions from 3 submitters: Uncertain significance (3). Last evaluated 2025-08-20.

Conditions:
Familial adenomatous polyposis 1 (FAP1). Also called: POLYPOSIS, ADENOMATOUS INTESTINAL; FAMILIAL ADENOMATOUS POLYPOSIS 1, ATTENUATED. Identifiers: MedGen C2713442, MONDO:0021056, OMIM 175100. Disease mechanism: loss of function.
Hereditary cancer-predisposing syndrome. Also called: Hereditary Cancer Syndrome; Neoplastic Syndromes, Hereditary; Tumor predisposition; Hereditary neoplastic syndrome. Identifiers: Orphanet 140162, MedGen C0027672, MeSH D009386, MONDO:0015356.

Submissions (3):

Ambry Genetics
Classification: Uncertain significance for Hereditary cancer-predisposing syndrome. Last evaluated: 2025-08-20. Review status: criteria provided, single submitter. Criteria: Ambry Variant Classification Scheme 2023. Collection method: clinical testing. Allele origin: germline.

Color Diagnostics, LLC DBA Color Health
Classification: Uncertain significance for Hereditary cancer-predisposing syndrome. Last evaluated: 2025-07-07. Review status: criteria provided, single submitter. Criteria: ACMG Guidelines, 2015. Collection method: clinical testing. Allele origin: germline.
Comment: This missense variant replaces lysine with glutamic acid at codon 2412 of the APC protein. Computational prediction suggests that this variant may not impact protein structure and function. To our knowledge, functional studies have not been reported for this variant. This variant has not been reported in individuals affected with APC-related disorders in the literature. This variant has not been identified in the general population by the Genome Aggregation Database (gnomAD). The available evidence is insufficient to determine the role of this variant in disease conclusively. Therefore, this variant is classified as a Variant of Uncertain Significance.

Labcorp Genetics (formerly Invitae), Labcorp
Classification: Uncertain significance for Familial adenomatous polyposis 1. Last evaluated: 2024-09-18. Review status: criteria provided, single submitter. Criteria: Invitae Variant Classification Sherloc (09022015). Collection method: clinical testing. Allele origin: germline.
Comment: This sequence change replaces lysine, which is basic and polar, with glutamic acid, which is acidic and polar, at codon 2412 of the APC protein (p.Lys2412Glu). This variant is not present in population databases (gnomAD no frequency). This variant has not been reported in the literature in individuals affected with APC-related conditions. ClinVar contains an entry for this variant (Variation ID: 1022071). Invitae Evidence Modeling of protein sequence and biophysical properties (such as structural, functional, and spatial information, amino acid conservation, physicochemical variation, residue mobility, and thermodynamic stability) indicates that this missense variant is not expected to disrupt APC protein function with a negative predictive value of 95%. In summary, the available evidence is currently insufficient to determine the role of this variant in disease. Therefore, it has been classified as a Variant of Uncertain Significance.

NM_000038.6(APC):c.7234A>G (p.Lys2412Glu)

Gene: APC (APC regulator of Wnt signaling pathway; plus strand). Cytogenetic location: 5q22.2.
Variant type: single nucleotide variant.
Coding change: c.7234A>G on transcript NM_000038.6 (MANE Select); coding-DNA position 7234, A replaced by G.
Protein change: p.Lys2412Glu; replaces lysine 2412 with glutamic acid.
Molecular consequence: missense variant.
Genome position (GRCh38, 1-based): chr5:112,842,828, A>G. VCF-style: chr5-112842828-A-G. GRCh37 (hg19) VCF-style: chr5-112178525-A-G.
Other names: c.7234A>G (NM_000038.5); c.7234A>G, p.Lys2412Glu (NM_001127510.3, NM_001354895.2); c.7180A>G, p.Lys2394Glu (NM_001127511.3); c.7288A>G, p.Lys2430Glu (NM_001354896.2); c.7264A>G, p.Lys2422Glu (NM_001354897.2); c.7159A>G, p.Lys2387Glu (NM_001354898.2); c.7150A>G, p.Lys2384Glu (NM_001354899.2); c.7111A>G, p.Lys2371Glu (NM_001354900.2); and 6 more; short protein forms K2129E, K2252E, K2286E, K2311E, K2321E, K2353E, K2371E, K2384E.
Identifiers: ClinVar variation 1022071 (VCV001022071.14), dbSNP rs1766422042, ClinGen allele CA16037088.